The following is an entry in ClinVar:

NM_001457.4(FLNB):c.1292T>A (p.Phe431Tyr)

Gene: FLNB (filamin B; plus strand). Cytogenetic location: 3p14.3.
Variant type: single nucleotide variant.
Coding change: c.1292T>A on transcript NM_001457.4 (MANE Select); coding-DNA position 1292, T replaced by A.
Protein change: p.Phe431Tyr; replaces phenylalanine 431 with tyrosine.
Molecular consequence: missense variant.
Genome position (GRCh38, 1-based): chr3:58,098,855, T>A. VCF-style: chr3-58098855-T-A. GRCh37 (hg19) VCF-style: chr3-58084582-T-A.
Other names: c.1292T>A, p.Phe431Tyr (NM_001164317.2, NM_001164318.2, NM_001164319.2); short protein forms F431Y.
Identifiers: ClinVar variation 3690039 (VCV003690039.2).

ClinVar aggregate classification (germline): Uncertain significance (1 of 4 stars; one submission).

gnomAD v4.1: 1 of 1,614,096 alleles (0.000062%); highest among the groups gnomAD compares: Non-Finnish European, 0.000085%; no homozygotes.

Submission:

Labcorp Genetics (formerly Invitae), Labcorp
Classification: Uncertain significance. Last evaluated: 2024-10-07. Review status: criteria provided, single submitter. Criteria: Invitae Variant Classification Sherloc (09022015). Collection method: clinical testing. Allele origin: germline.
Comment: This sequence change replaces phenylalanine, which is neutral and non-polar, with tyrosine, which is neutral and polar, at codon 431 of the FLNB protein (p.Phe431Tyr). This variant is not present in population databases (gnomAD no frequency). This variant has not been reported in the literature in individuals affected with FLNB-related conditions. Invitae Evidence Modeling of protein sequence and biophysical properties (such as structural, functional, and spatial information, amino acid conservation, physicochemical variation, residue mobility, and thermodynamic stability) indicates that this missense variant is not expected to disrupt FLNB protein function with a negative predictive value of 95%. In summary, the available evidence is currently insufficient to determine the role of this variant in disease. Therefore, it has been classified as a Variant of Uncertain Significance.